The following is an entry in ClinVar:

ClinVar aggregate classification (germline): Uncertain significance. Review status: criteria provided, multiple submitters, no conflicts (2 of 4 stars). 3 submissions from 3 submitters: Uncertain significance (3). Last evaluated 2024-09-25.

Conditions:
Thiamine-responsive megaloblastic anemia. Identifiers: MedGen C0271972, HP:0004860.
Megaloblastic anemia, thiamine-responsive, with diabetes mellitus and sensorineural deafness (TRMA). Also called: ROGERS SYNDROME; THIAMINE-RESPONSIVE ANEMIA SYNDROME; THIAMINE-RESPONSIVE MYELODYSPLASIA; THIAMINE METABOLISM DYSFUNCTION SYNDROME 1 (MEGALOBLASTIC ANEMIA, DIABETES MELLITUS, AND DEAFNESS TYPE); Thiamine-Responsive Megaloblastic Anemia Syndrome. Identifiers: Orphanet 49827, MedGen C0342287, MONDO:0009575, OMIM 249270.

Allele frequency attached by ClinVar (database versions not stated): gnomAD 0.00011 and 0.00013; gnomAD exomes 0.00011 and 0.00023; ExAC 0.00012; TOPMed 0.00014; ESP Exome Variant Server 0.00038.
gnomAD v4.1: 355 of 1,613,902 alleles (0.022%); highest among the groups gnomAD compares: Non-Finnish European, 0.028%; no homozygotes.

Submissions (3):

Blueprint Genetics
Classification: Uncertain significance. Last evaluated: 2024-09-25. Review status: criteria provided, single submitter. Criteria: ACMG Guidelines, 2015. Collection method: clinical testing. Allele origin: germline.

Fulgent Genetics
Classification: Uncertain significance for Megaloblastic anemia, thiamine-responsive, with diabetes mellitus and sensorineural deafness. Last evaluated: 2024-04-22. Review status: criteria provided, single submitter. Criteria: ACMG Guidelines, 2015. Collection method: clinical testing. Allele origin: germline.

GeneDx
Classification: Uncertain significance. Last evaluated: 2023-03-13. Review status: criteria provided, single submitter. Criteria: GeneDx Variant Classification Process June 2021. Collection method: clinical testing. Allele origin: germline. Affected: yes.
Comment: In silico analysis supports that this missense variant has a deleterious effect on protein structure/function; Has not been previously published as pathogenic or benign to our knowledge

NM_006996.3(SLC19A2):c.319A>G (p.Ser107Gly)

Gene: SLC19A2 (solute carrier family 19 member 2; minus strand). Cytogenetic location: 1q24.2.
Variant type: single nucleotide variant.
Coding change: c.319A>G on transcript NM_006996.3 (MANE Select); coding-DNA position 319, A replaced by G.
Protein change: p.Ser107Gly; replaces serine 107 with glycine.
Molecular consequence: missense variant. On other transcripts: intron variant (1).
Genome position (GRCh38, 1-based): chr1:169,477,643, T>C on the plus strand (A>G on the coding strand, the complement: SLC19A2 is on the minus strand). VCF-style: chr1-169477643-T-C. GRCh37 (hg19) VCF-style: chr1-169446881-T-C.
Other names: c.205-7457A>G (NM_001319667.1); short protein forms S107G.
Identifiers: ClinVar variation 441105 (VCV000441105.5), dbSNP rs113927216, ClinGen allele CA1233090.